The following is an entry in ClinVar:

ClinVar aggregate classification (germline): Conflicting classifications of pathogenicity. Review status: criteria provided, conflicting classifications (1 of 4 stars). 5 submissions from 5 submitters: Uncertain significance (1); Likely benign (4). Last evaluated 2026-01-06.

Conditions:
CACNA1H-related disorder.
Inborn genetic diseases. Identifiers: MedGen C0950123, MeSH D030342.
Hyperaldosteronism, familial, type IV (HALD4). Also called: FH IV; ALDOSTERONISM, PRIMARY, AND HYPERTENSION. Identifiers: Orphanet 642671, MedGen C4310756, MONDO:0014875, OMIM 617027.
Idiopathic generalized epilepsy. Also called: EIG; Generalised epilepsy. Identifiers: MedGen C0270850, MONDO:0005579, OMIM 600669.

Allele frequency attached by ClinVar (database versions not stated): gnomAD exomes 0.00013 and 0.00035; ExAC 0.00041; 1000 Genomes Project 30x 0.00094; 1000 Genomes Project 0.00100; gnomAD 0.00121 and 0.00128; TOPMed 0.00125; ESP Exome Variant Server 0.00164.
gnomAD v4.1: 363 of 1,540,334 alleles (0.024%); highest among the groups gnomAD compares: African/African-American, 0.42%; no homozygotes.

Submissions (5):

Labcorp Genetics (formerly Invitae), Labcorp
Classification: Likely benign for Idiopathic generalized epilepsy; Hyperaldosteronism, familial, type IV. Last evaluated: 2026-01-06. Review status: criteria provided, single submitter. Criteria: Invitae Variant Classification Sherloc (09022015). Collection method: clinical testing. Allele origin: germline.

PreventionGenetics, part of Exact Sciences
Classification: Likely benign for CACNA1H-related condition. Last evaluated: 2025-01-08. Review status: criteria provided, single submitter. Criteria: ACMG Guidelines, 2015. Collection method: clinical testing. Allele origin: germline.
Comment: This variant is classified as likely benign based on ACMG/AMP sequence variant interpretation guidelines (Richards et al. 2015 PMID: 25741868, with internal and published modifications).

Women's Health and Genetics/Laboratory Corporation of America, LabCorp
Classification: Likely benign. Last evaluated: 2024-06-20. Review status: criteria provided, single submitter. Criteria: LabCorp Variant Classification Summary - May 2015. Collection method: clinical testing. Allele origin: germline.
Comment: Variant summary: CACNA1H c.2434G>A (p.Val812Met) results in a conservative amino acid change located in the Ion transport domain (IPR005821) of the encoded protein sequence. Three of five in-silico tools predict a damaging effect of the variant on protein function. The variant allele was found at a frequency of 0.00035 in 187788 control chromosomes, predominantly at a frequency of 0.0042 within the African or African-American subpopulation in the gnomAD database. The observed variant frequency within African or African-American control individuals in the gnomAD database exceeds the estimated maximal expected allele frequency for a pathogenic variant in CACNA1H causing Idiopathic Generalized Epilepsy phenotype. To our knowledge, no occurrence of c.2434G>A in individuals affected with Idiopathic Generalized Epilepsy and no experimental evidence demonstrating its impact on protein function have been reported. ClinVar contains an entry for this variant (Variation ID: 707571). Based on the evidence outlined above, the variant was classified as likely benign.

Ambry Genetics
Classification: Uncertain significance for Inborn genetic diseases. Last evaluated: 2023-12-12. Review status: criteria provided, single submitter. Criteria: Ambry Variant Classification Scheme 2023. Collection method: clinical testing. Allele origin: germline.

CeGaT Center for Human Genetics Tuebingen
Classification: Likely benign. Last evaluated: 2023-12-01. Review status: criteria provided, single submitter. Criteria: CeGaT Center For Human Genetics Tuebingen Variant Classification Criteria Version 2. Collection method: clinical testing. Allele origin: germline. Affected: yes. Observed: 1 variant allele.
Comment: CACNA1H: BS1

NM_021098.3(CACNA1H):c.2434G>A (p.Val812Met)

Gene: CACNA1H (calcium voltage-gated channel subunit alpha1 H; plus strand). Cytogenetic location: 16p13.3.
Variant type: single nucleotide variant.
Coding change: c.2434G>A on transcript NM_021098.3 (MANE Select); coding-DNA position 2434, G replaced by A.
Protein change: p.Val812Met; replaces valine 812 with methionine.
Molecular consequence: missense variant.
Genome position (GRCh38, 1-based): chr16:1,204,441, G>A. VCF-style: chr16-1204441-G-A. GRCh37 (hg19) VCF-style: chr16-1254441-G-A.
Other names: c.2434G>A, p.Val812Met (NM_001005407.2); short protein forms V812M.
Identifiers: ClinVar variation 707571 (VCV000707571.36), dbSNP rs28365119, ClinGen allele CA7800245.